The following is an entry in ClinVar:

ClinVar aggregate classification (germline): Conflicting classifications of pathogenicity. Review status: criteria provided, conflicting classifications (1 of 4 stars). 2 submissions from 2 submitters: Uncertain significance (1); Likely benign (1). Last evaluated 2025-12-09.

Conditions:
Rubinstein-Taybi syndrome due to EP300 haploinsufficiency. Also called: EP300-Related Rubinstein-Taybi Syndrome; RUBINSTEIN-TAYBI SYNDROME 2. Identifiers: Orphanet 353284, Orphanet 783, MedGen C3150941, MONDO:0013364, OMIM 613684.
EP300-related disorder. Also called: EP300-related condition; EP300-related disorders.

Allele frequency attached by ClinVar (database versions not stated): gnomAD exomes 0.00001; ExAC 0.00002; gnomAD 0.00005; TOPMed 0.00006.
gnomAD v4.1: 26 of 1,613,986 alleles (0.0016%); highest among the groups gnomAD compares: African/African-American, 0.0093%; 1 homozygote.

Submissions (2):

PreventionGenetics, part of Exact Sciences
Classification: Uncertain significance for EP300-related condition. Last evaluated: 2025-12-09. Review status: criteria provided, single submitter. Criteria: ACMG Guidelines, 2015. Collection method: clinical testing. Allele origin: germline.
Comment: The EP300 c.3617A>G variant is predicted to result in the amino acid substitution p.Asn1206Ser. To our knowledge, this variant has not been reported in the literature. This variant is reported in 0.0080% of alleles in individuals of African descent in gnomAD, including 1 homozygotes in v4.1.0. Although we suspect that this variant may be benign, at this time, the clinical significance of this variant is uncertain due to the absence of conclusive functional and genetic evidence.

Labcorp Genetics (formerly Invitae), Labcorp
Classification: Likely benign for Rubinstein-Taybi syndrome due to EP300 haploinsufficiency. Last evaluated: 2024-10-29. Review status: criteria provided, single submitter. Criteria: Invitae Variant Classification Sherloc (09022015). Collection method: clinical testing. Allele origin: germline.

NM_001429.4(EP300):c.3617A>G (p.Asn1206Ser)

Gene: EP300 (EP300 lysine acetyltransferase; plus strand). Cytogenetic location: 22q13.2.
Variant type: single nucleotide variant.
Coding change: c.3617A>G on transcript NM_001429.4 (MANE Select); coding-DNA position 3617, A replaced by G.
Protein change: p.Asn1206Ser; replaces asparagine 1206 with serine.
Molecular consequence: missense variant.
Genome position (GRCh38, 1-based): chr22:41,160,668, A>G. VCF-style: chr22-41160668-A-G. GRCh37 (hg19) VCF-style: chr22-41556672-A-G.
Other names: c.3539A>G, p.Asn1180Ser (NM_001362843.2); short protein forms N1180S, N1206S.
Identifiers: ClinVar variation 664510 (VCV000664510.12), dbSNP rs779792116, ClinGen allele CA10253167.